The following is an entry in ClinVar:

NM_018006.5(TRMU):c.835G>A (p.Val279Met)

Gene: TRMU (tRNA mitochondrial 2-thiouridylase; plus strand). Cytogenetic location: 22q13.31.
Variant type: single nucleotide variant.
Coding change: c.835G>A on transcript NM_018006.5 (MANE Select); coding-DNA position 835, G replaced by A.
Protein change: p.Val279Met; replaces valine 279 with methionine.
Molecular consequence: missense variant. On other transcripts: non-coding transcript variant (2).
Genome position (GRCh38, 1-based): chr22:46,353,829, G>A. VCF-style: chr22-46353829-G-A. GRCh37 (hg19) VCF-style: chr22-46749726-G-A.
Other names: c.493G>A, p.Val165Met (NM_001282782.2); c.415G>A, p.Val139Met (NM_001282783.2, NM_001282784.2); c.835G>A, p.Val279Met (NM_001282785.2); short protein forms V279M, V165M, V139M.
Identifiers: ClinVar variation 30819 (VCV000030819.36), dbSNP rs387907022, ClinGen allele CA129482.

ClinVar aggregate classification (germline): Pathogenic. Review status: criteria provided, multiple submitters, no conflicts (2 of 4 stars). 18 submissions from 18 submitters: Pathogenic (16). 2 of the submissions do not count toward it. Last evaluated 2026-01-28.

Conditions:
TRMU-related disorder. Also called: TRMU-related condition.
Inborn genetic diseases. Identifiers: MedGen C0950123, MeSH D030342.
Acute infantile liver failure due to synthesis defect of mtDNA-encoded proteins. Also called: LIVER FAILURE, INFANTILE, TRANSIENT; Liver failure acute infantile; TRMU Deficiency. Identifiers: Orphanet 217371, MedGen C3278664, MONDO:0013111, OMIM 613070.
Aminoglycoside-induced deafness. Also called: DEAFNESS, STREPTOMYCIN-INDUCED; MT-RNR1-Related Hearing Loss and Deafness; STREPTOMYCIN OTOTOXICITY. Identifiers: Orphanet 168609, MedGen C1838854, MONDO:0010799, OMIM 580000.

Allele frequency attached by ClinVar (database versions not stated): gnomAD 0.00011 and 0.00013; TOPMed 0.00012; gnomAD exomes 0.00017; ExAC 0.00018; 1000 Genomes Project 30x 0.00031; 1000 Genomes Project 0.00040.
gnomAD v4.1: 333 of 1,614,010 alleles (0.021%); highest among the groups gnomAD compares: South Asian, 0.048%; no homozygotes.

Submissions 1 to 13 of 18:

Labcorp Genetics (formerly Invitae), Labcorp
Classification: Pathogenic. Last evaluated: 2026-01-28. Review status: criteria provided, single submitter. Criteria: Invitae Variant Classification Sherloc (09022015). Collection method: clinical testing. Allele origin: germline.
Comment: This sequence change replaces valine, which is neutral and non-polar, with methionine, which is neutral and non-polar, at codon 279 of the TRMU protein (p.Val279Met). This variant is present in population databases (rs387907022, gnomAD 0.06%). This missense change has been observed in individual(s) with acute infantile liver failure or infantile reversible respiratory chain deficiency (PMID: 19732863, 21931168, 23625533, 25665837). In at least one individual the data is consistent with being in trans (on the opposite chromosome) from a pathogenic variant. ClinVar contains an entry for this variant (Variation ID: 30819). Invitae Evidence Modeling of protein sequence and biophysical properties (such as structural, functional, and spatial information, amino acid conservation, physicochemical variation, residue mobility, and thermodynamic stability) indicates that this missense variant is expected to disrupt TRMU protein function with a positive predictive value of 95%. For these reasons, this variant has been classified as Pathogenic.

Natera, Inc.
Classification: Pathogenic for Acute infantile liver failure due to synthesis defect of mtDNA-encoded proteins. Last evaluated: 2026-01-06. Review status: criteria provided, single submitter. Criteria: Natera Variant Classification Schema (03/2026). Collection method: clinical testing. Allele origin: germline.
Comment: The c.835G>A variant in TRMU is a missense variant predicted to cause substitution of valine to methionine at amino acid 279. The frequency of this variant in the general population is greater than expected for disorder. This variant has been observed in one or more individuals affected with the associated recessive disease, as either homozygous or compound heterozygous with a second variant (PMID: 33083013, 33084218, 19732863, 23625533, 21931168). Functional studies show that this variant may disrupt protein function (PMID: 38113276). Computational prediction algorithms indicate this variant is likely to affect gene or protein function. Given the available evidence, this variant is classified as Pathogenic.

PreventionGenetics, part of Exact Sciences
Classification: Pathogenic for TRMU-related condition. Last evaluated: 2025-12-30. Review status: criteria provided, single submitter. Criteria: ACMG Guidelines, 2015. Collection method: clinical testing. Allele origin: germline.
Comment: The TRMU c.835G>A variant is predicted to result in the amino acid substitution p.Val279Met. This variant has been reported in the compound heterozygous and homozygous states in individuals with infantile liver failure or infantile reversible respiratory chain deficiency (Zeharia et al. 2009. PubMed ID: 19732863; Uusimaa et al. 2011. PubMed ID: 21931168; Salinas et al. 2020. PubMed ID: 33084218, Table S1). This variant is reported in 0.059% of alleles in individuals of South Asian descent in gnomAD. This variant is interpreted as likely pathogenic.

3billion
Classification: Pathogenic for Acute infantile liver failure due to synthesis defect of mtDNA-encoded proteins. Last evaluated: 2025-09-24. Review status: criteria provided, single submitter. Criteria: ACMG Guidelines, 2015. Collection method: clinical testing. Allele origin: germline. Affected: yes.
Comment: The variant is observed at an extremely low frequency in the gnomAD v4.1.0 dataset (total allele frequency: 0.021%). Predicted Consequence/Location: Missense variant. The majority of the known disease-causing variants of this gene are variants expected to result in premature termination of the protein. In silico tool predictions suggest damaging effect of the variant on gene or gene product [REVEL: 0.72 (>=0.6, sensitivity 0.68 and specificity 0.92); 3Cnet: 0.95 (> 0.75, sensitivity 0.96 and precision 0.92)]. The same nucleotide change resulting in the same amino acid change has been previously reported as pathogenic/likely pathogenic with strong evidence (ClinVar ID: VCV000030819 /PMID: 19732863). The variant has been reported to be in trans with a pathogenic variant as either compound heterozygous or homozygous in at least 2 similarly affected unrelated individuals (PMID: 21931168, 23625533). Therefore, this variant is classified as Pathogenic according to the recommendation of ACMG/AMP guideline.

GeneDx
Classification: Pathogenic. Last evaluated: 2025-09-08. Review status: criteria provided, single submitter. Criteria: GeneDx Variant Classification Process June 2021. Collection method: clinical testing. Allele origin: germline. Affected: yes.
Comment: In silico analysis supports that this missense variant has a deleterious effect on protein structure/function; Alotaibi M et al. (2020) Discoveries Reports. 3 :e7; This variant is associated with the following publications: (PMID: 21931168, 28562522, 19732863, 31980526, 34426522, 31589614, Alotaibi_2020_Article, 33083013, 33084218, 31160058, 23625533, 25665837, 38113276, 36939041, 33629572, 37272928, 39132680)

Institute of Medical Genetics and Genomics, Sir Ganga Ram Hospital
Classification: Pathogenic for Acute infantile liver failure due to synthesis defect of mtDNA-encoded proteins. Last evaluated: 2025-08-21. Review status: criteria provided, single submitter. Criteria: ACMG Guidelines, 2015. Collection method: clinical testing. Allele origin: inherited. Inheritance: Autosomal recessive inheritance. Affected: yes. Observed: 1 compound heterozygote.
Comment: The missense variant NM_018006.5 (TRMU):c.835G>A (p.Val279Met) causes the same amino acid change as a previously established pathogenic variant. The p.Val279Met missense variant is predicted to be damaging by both SIFT and PolyPhen2, aggregate score of 0.722, providing criteria PP3 with supporting evidence. This variant has been previously reported in the compound heterozygous state in an individual with acute liver failure in infancy, as well as an individual with infantile reversible cytochrome c oxidase deficiency (Zeharia et al., 2009). This variant has been submitted in Clinvar 12 times (10 pathogenic, 2 likely pathogenic) (Variation ID: VCV000030819.28). For these reasons, this variant has been classified as Pathogenic.

First Genomix Gene Laboratory, Genetic Diagnostics Department
Classification: Pathogenic for Acute infantile liver failure due to synthesis defect of mtDNA-encoded proteins. Last evaluated: 2025-04-25. Review status: criteria provided, single submitter. Criteria: ACMG Guidelines, 2015. Collection method: clinical testing. Allele origin: germline. Inheritance: Autosomal recessive inheritance. Affected: no. Observed: 1 variant allele.

Revvity Omics, Revvity
Classification: Pathogenic for Acute infantile liver failure due to synthesis defect of mtDNA-encoded proteins. Last evaluated: 2025-01-10. Review status: criteria provided, single submitter. Criteria: ACMG Guidelines, 2015. Collection method: clinical testing. Allele origin: germline.

Genomic Medicine Center of Excellence, King Faisal Specialist Hospital and Research Centre
Classification: Pathogenic for Acute infantile liver failure due to synthesis defect of mtDNA-encoded proteins. Last evaluated: 2024-09-22. Review status: criteria provided, single submitter. Criteria: ACMG Guidelines, 2015. Collection method: clinical testing. Allele origin: germline.

Blueprint Genetics
Classification: Pathogenic for TRMU-related disorders. Last evaluated: 2024-06-27. Review status: criteria provided, single submitter. Criteria: ACMG Guidelines, 2015. Collection method: clinical testing. Allele origin: germline. Affected: yes. Observed: 5 variant alleles.

Fulgent Genetics
Classification: Pathogenic for Aminoglycoside-induced deafness; Acute infantile liver failure due to synthesis defect of mtDNA-encoded proteins. Last evaluated: 2024-04-23. Review status: criteria provided, single submitter. Criteria: ACMG Guidelines, 2015. Collection method: clinical testing. Allele origin: germline.

Institute of Human Genetics, University of Leipzig Medical Center
Classification: Pathogenic for Acute infantile liver failure due to synthesis defect of mtDNA-encoded proteins. Last evaluated: 2024-04-22. Review status: criteria provided, single submitter. Criteria: ACMG Guidelines, 2015. Collection method: clinical testing. Allele origin: unknown. Inheritance: Autosomal recessive inheritance. Affected: yes.
Comment: Criteria applied: PM3_VSTR,PS3_MOD,PM2_SUP,PP3

Baylor Genetics
Classification: Pathogenic for Aminoglycoside-induced deafness. Last evaluated: 2024-03-25. Review status: criteria provided, single submitter. Criteria: ACMG Guidelines, 2015. Collection method: clinical testing. Allele origin: unknown.